The following is an entry in ClinVar:

ClinVar aggregate classification (germline): Benign (0 of 4 stars; one submission).

Conditions:
MUC16-related disorder. Also called: MUC16-related condition.

Allele frequency attached by ClinVar (database versions not stated): 1000 Genomes Project 30x 0.31933.

Submission:

PreventionGenetics, part of Exact Sciences
Classification: Benign for MUC16-related condition. Last evaluated: 2019-03-21. Review status: no assertion criteria provided. Collection method: clinical testing. Allele origin: germline.
Comment: This variant is classified as benign based on ACMG/AMP sequence variant interpretation guidelines (Richards et al. 2015 PMID: 25741868, with internal and published modifications).

NM_001401501.2(MUC16):c.39394T>C (p.Ser13132Pro)

Gene: MUC16 (mucin 16, cell surface associated; minus strand). Cytogenetic location: 19p13.2.
Variant type: single nucleotide variant.
Coding change: c.39394T>C on transcript NM_001401501.2 (MANE Select); coding-DNA position 39394, T replaced by C.
Protein change: p.Ser13132Pro; replaces serine 13132 with proline.
Molecular consequence: missense variant.
Genome position (GRCh38, 1-based): chr19:8,897,668, A>G on the plus strand (T>C on the coding strand, the complement: MUC16 is on the minus strand). VCF-style: chr19-8897668-A-G. GRCh37 (hg19) VCF-style: chr19-9008344-A-G.
Other names: c.39820T>C, p.Ser13274Pro (NM_001414686.1); c.39274T>C, p.Ser13092Pro (NM_001414687.1); c.39208T>C, p.Ser13070Pro (NM_024690.2); short protein forms S13070P, S13092P, S13132P, S13274P.
Identifiers: ClinVar variation 3038838 (VCV003038838.2), dbSNP rs201969086, ClinGen allele CA305080098.